The following is an entry in ClinVar:

NM_022464.5(SIL1):c.1017G>C (p.Leu339=)

Gene: SIL1 (SIL1 nucleotide exchange factor; minus strand). Cytogenetic location: 5q31.2.
Variant type: single nucleotide variant.
Coding change: c.1017G>C on transcript NM_022464.5 (MANE Select); coding-DNA position 1017, G replaced by C.
Protein change: p.Leu339=; no amino-acid change (leucine 339 retained).
Molecular consequence: synonymous variant.
Genome position (GRCh38, 1-based): chr5:138,951,183, C>G on the plus strand (G>C on the coding strand, the complement: SIL1 is on the minus strand). VCF-style: chr5-138951183-C-G. GRCh37 (hg19) VCF-style: chr5-138286872-C-G.
Other names: c.1017G>C, p.Leu339= (NM_001037633.2).
Identifiers: ClinVar variation 351076 (VCV000351076.9), dbSNP rs769587333, ClinGen allele CA10622890.

ClinVar aggregate classification (germline): Conflicting classifications of pathogenicity. Review status: criteria provided, conflicting classifications (1 of 4 stars). 2 submissions from 2 submitters: Uncertain significance (1); Likely benign (1). Last evaluated 2022-11-17.

Conditions:
Marinesco-Sjögren syndrome (MSS). Also called: Marinesco-SjÃ¶gren syndrome; Marinesco-Sjogren Syndrome. Identifiers: Orphanet 559, MedGen C0024814, MONDO:0009567, OMIM 248800.

Submissions (2):

Labcorp Genetics (formerly Invitae), Labcorp
Classification: Likely benign for Marinesco-Sjögren syndrome. Last evaluated: 2022-11-17. Review status: criteria provided, single submitter. Criteria: Invitae Variant Classification Sherloc (09022015). Collection method: clinical testing. Allele origin: germline.

GeneDx
Classification: Uncertain significance. Last evaluated: 2019-07-05. Review status: criteria provided, single submitter. Criteria: GeneDx Variant Classification Process June 2021. Collection method: clinical testing. Allele origin: germline. Affected: yes.
Comment: Not observed in large population cohorts (Lek et al., 2016); In silico analysis, which includes splice predictors and evolutionary conservation, supports that this variant does not alter protein structure/function; Has not been previously published as pathogenic or benign to our knowledge